The following is an entry in ClinVar:

NM_001353345.2(SETD1B):c.4949A>G (p.His1650Arg)

Gene: SETD1B (SET domain containing 1B, histone lysine methyltransferase; plus strand). Cytogenetic location: 12q24.31.
Variant type: single nucleotide variant.
Coding change: c.4949A>G on transcript NM_001353345.2 (MANE Select); coding-DNA position 4949, A replaced by G.
Protein change: p.His1650Arg; replaces histidine 1650 with arginine.
Molecular consequence: missense variant.
Genome position (GRCh38, 1-based): chr12:121,823,528, A>G. VCF-style: chr12-121823528-A-G. GRCh37 (hg19) VCF-style: chr12-122261434-A-G.
Other names: NM_015048.1:c.4820A>G; short protein forms H1650R.
Identifiers: ClinVar variation 2629389 (VCV002629389.2), dbSNP rs1233975978, ClinGen allele CA387000255.

ClinVar aggregate classification (germline): Uncertain significance. Review status: criteria provided, multiple submitters, no conflicts (2 of 4 stars). 2 submissions from 2 submitters: Uncertain significance (2). Last evaluated 2024-12-01.

Conditions:
Inborn genetic diseases. Identifiers: MedGen C0950123, MeSH D030342.
SETD1B-related disorder. Also called: SETD1B-related condition.

Allele frequency attached by ClinVar (database versions not stated): gnomAD exomes 0.00001; gnomAD 0.00006; TOPMed 0.00006.

Submissions (2):

Ambry Genetics
Classification: Uncertain significance for Inborn genetic diseases. Last evaluated: 2024-12-01. Review status: criteria provided, single submitter. Criteria: Ambry Variant Classification Scheme 2023. Collection method: clinical testing. Allele origin: germline.

PreventionGenetics, part of Exact Sciences
Classification: Uncertain significance for SETD1B-related condition. Last evaluated: 2022-09-15. Review status: criteria provided, single submitter. Criteria: ACMG Guidelines, 2015. Collection method: clinical testing. Allele origin: germline.
Comment: The SETD1B c.4949A>G variant is predicted to result in the amino acid substitution p.His1650Arg. To our knowledge, this variant has not been reported in the literature. This variant is reported in 0.0053% of alleles in individuals of European (Non-Finnish) descent in gnomAD. At this time, the clinical significance of this variant is uncertain due to the absence of conclusive functional and genetic evidence.